The following is an entry in ClinVar:

NM_004211.5(SLC6A5):c.1796G>T (p.Arg599Leu)

Gene: SLC6A5 (solute carrier family 6 member 5; plus strand). Cytogenetic location: 11p15.1.
Variant type: single nucleotide variant.
Coding change: c.1796G>T on transcript NM_004211.5 (MANE Select); coding-DNA position 1796, G replaced by T.
Protein change: p.Arg599Leu; replaces arginine 599 with leucine.
Molecular consequence: missense variant.
Genome position (GRCh38, 1-based): chr11:20,637,230, G>T. VCF-style: chr11-20637230-G-T. GRCh37 (hg19) VCF-style: chr11-20658776-G-T.
Other names: c.1094G>T, p.Arg365Leu (NM_001318369.2); c.1796G>T (NM_004211.3); short protein forms R365L, R599L.
Identifiers: ClinVar variation 1384919 (VCV001384919.7), dbSNP rs138885115, ClinGen allele CA5921579.

ClinVar aggregate classification (germline): Uncertain significance. Review status: criteria provided, multiple submitters, no conflicts (2 of 4 stars). 3 submissions from 3 submitters: Uncertain significance (3). Last evaluated 2025-06-18.

Conditions:
Hyperekplexia 3 (HKPX3). Also called: HYPEREKPLEXIA 3, AUTOSOMAL RECESSIVE; HYPEREKPLEXIA 3, AUTOSOMAL DOMINANT. Identifiers: Orphanet 3197, MedGen C3553288, MONDO:0013827, OMIM 614618.
Inborn genetic diseases. Identifiers: MedGen C0950123, MeSH D030342.

Allele frequency attached by ClinVar (database versions not stated): ESP Exome Variant Server 0.00008; gnomAD 0.00016.

Submissions (3):

Ambry Genetics
Classification: Uncertain significance for Inborn genetic diseases. Last evaluated: 2025-06-18. Review status: criteria provided, single submitter. Criteria: Ambry Variant Classification Scheme 2023. Collection method: clinical testing. Allele origin: germline.

Blueprint Genetics
Classification: Uncertain significance. Last evaluated: 2023-01-03. Review status: criteria provided, single submitter. Criteria: ACMG Guidelines, 2015. Collection method: clinical testing. Allele origin: germline.

Labcorp Genetics (formerly Invitae), Labcorp
Classification: Uncertain significance for Hyperekplexia 3. Last evaluated: 2022-07-08. Review status: criteria provided, single submitter. Criteria: Invitae Variant Classification Sherloc (09022015). Collection method: clinical testing. Allele origin: germline.
Comment: This sequence change replaces arginine, which is basic and polar, with leucine, which is neutral and non-polar, at codon 599 of the SLC6A5 protein (p.Arg599Leu). This variant is present in population databases (rs138885115, gnomAD 0.03%). This variant has not been reported in the literature in individuals affected with SLC6A5-related conditions. ClinVar contains an entry for this variant (Variation ID: 1384919). Algorithms developed to predict the effect of missense changes on protein structure and function (SIFT, PolyPhen-2, Align-GVGD) all suggest that this variant is likely to be disruptive. In summary, the available evidence is currently insufficient to determine the role of this variant in disease. Therefore, it has been classified as a Variant of Uncertain Significance.